The following is an entry in ClinVar:

ClinVar aggregate classification (germline): Uncertain significance (1 of 4 stars; one submission).

Conditions:
Mitochondrial complex I deficiency, nuclear type 4. Also called: Mitochondrial complex 1 deficiency, nuclear type 4. Identifiers: MedGen C4748753, MONDO:0032609, OMIM 618225.

Submission:

3billion
Classification: Uncertain significance for Mitochondrial complex I deficiency, nuclear type 4. Last evaluated: 2024-06-18. Review status: criteria provided, single submitter. Criteria: ACMG Guidelines, 2015. Collection method: clinical testing. Allele origin: germline. Affected: yes.
Comment: The variant is observed at an extremely low frequency in the gnomAD v4.0.0 dataset (total allele frequency: <0.001%). Predicted Consequence/Location: Missense variant In silico tool predictions suggest damaging effect of the variant on gene or gene product [REVEL: 0.84 (>=0.6, sensitivity 0.68 and specificity 0.92)]. Therefore, this variant is classified as VUS according to the recommendation of ACMG/AMP guideline.

NM_007103.4(NDUFV1):c.357G>C (p.Glu119Asp)

Gene: NDUFV1 (NADH:ubiquinone oxidoreductase core subunit V1; plus strand). Cytogenetic location: 11q13.2.
Variant type: single nucleotide variant.
Coding change: c.357G>C on transcript NM_007103.4 (MANE Select); coding-DNA position 357, G replaced by C.
Protein change: p.Glu119Asp; replaces glutamic acid 119 with aspartic acid.
Molecular consequence: missense variant.
Genome position (GRCh38, 1-based): chr11:67,609,482, G>C. VCF-style: chr11-67609482-G-C. GRCh37 (hg19) VCF-style: chr11-67376953-G-C.
Other names: c.330G>C, p.Glu110Asp (NM_001166102.2); short protein forms E110D, E119D.
Identifiers: ClinVar variation 4293943 (VCV004293943.1).